The following is an entry in ClinVar:

NM_002578.5(PAK3):c.276+2678G>C

Gene: PAK3 (p21 (RAC1) activated kinase 3; plus strand). Cytogenetic location: Xq23.
Variant type: single nucleotide variant.
Coding change: c.276+2678G>C on transcript NM_002578.5 (MANE Select); 2678 bases into the intron after coding-DNA position 276, G replaced by C.
Molecular consequence: intron variant. On other transcripts: missense variant (2).
Genome position (GRCh38, 1-based): chrX:111,144,874, G>C. VCF-style: chrX-111144874-G-C. GRCh37 (hg19) VCF-style: chrX-110388102-G-C.
Other names: c.291G>C, p.Gln97His (NM_001128168.3, NM_001128172.2); c.276+2678G>C (NM_001128166.3, NM_001324325.2, NM_001324330.2 and 5 more transcripts); c.277-1647G>C (NM_001128173.3, NM_001324329.2, NM_001324327.2 and 2 more transcripts); short protein forms Q97H.
Identifiers: ClinVar variation 2575643 (VCV002575643.1), dbSNP rs2523409029, ClinGen allele CA414243643.

ClinVar aggregate classification (germline): Uncertain significance (1 of 4 stars; one submission).

Submission:

GeneDx
Classification: Uncertain significance. Last evaluated: 2023-02-13. Review status: criteria provided, single submitter. Criteria: GeneDx Variant Classification Process June 2021. Collection method: clinical testing. Allele origin: germline. Affected: yes.
Comment: Not observed at significant frequency in large population cohorts (gnomAD); In silico analysis supports that this variant does not alter splicing; Has not been previously published as pathogenic or benign to our knowledge; Reported using an alternate transcript of the gene